The following is an entry in ClinVar:

NM_001889.4(CRYZ):c.759A>G (p.Glu253=)

Gene: CRYZ (crystallin zeta; minus strand). Cytogenetic location: 1p31.1.
Variant type: single nucleotide variant.
Coding change: c.759A>G on transcript NM_001889.4 (MANE Select); coding-DNA position 759, A replaced by G.
Protein change: p.Glu253=; no amino-acid change (glutamic acid 253 retained).
Molecular consequence: synonymous variant.
Genome position (GRCh38, 1-based): chr1:74,706,968, T>C on the plus strand (A>G on the coding strand, the complement: CRYZ is on the minus strand). VCF-style: chr1-74706968-T-C. GRCh37 (hg19) VCF-style: chr1-75172652-T-C.
Other names: c.759A>G, p.Glu253= (NM_001130042.2); c.657A>G, p.Glu219= (NM_001130043.2); c.348A>G, p.Glu116= (NM_001134759.2).
Identifiers: ClinVar variation 3057215 (VCV003057215.2), dbSNP rs17552114, ClinGen allele CA911218.

ClinVar aggregate classification (germline): Benign (0 of 4 stars; one submission).

Conditions:
CRYZ-related disorder. Also called: CRYZ-related condition.

Allele frequency attached by ClinVar (database versions not stated): 1000 Genomes Project 30x 0.01421; 1000 Genomes Project 0.01458; gnomAD 0.02986; TOPMed 0.03007; ExAC 0.03047; ESP Exome Variant Server 0.03914; gnomAD exomes 0.04138.
gnomAD v4.1: 64,730 of 1,612,554 alleles (4%); highest among the groups gnomAD compares: Non-Finnish European, 4.8%; 1,486 homozygotes.

Submission:

PreventionGenetics, part of Exact Sciences
Classification: Benign for CRYZ-related condition. Last evaluated: 2019-11-21. Review status: no assertion criteria provided. Collection method: clinical testing. Allele origin: germline.
Comment: This variant is classified as benign based on ACMG/AMP sequence variant interpretation guidelines (Richards et al. 2015 PMID: 25741868, with internal and published modifications).